The following is an entry in ClinVar:

NM_176787.5(PIGN):c.2567C>T (p.Ser856Leu)

Gene: PIGN (phosphatidylinositol glycan anchor biosynthesis class N; minus strand). Cytogenetic location: 18q21.33.
Variant type: single nucleotide variant.
Coding change: c.2567C>T on transcript NM_176787.5 (MANE Select); coding-DNA position 2567, C replaced by T.
Protein change: p.Ser856Leu; replaces serine 856 with leucine.
Molecular consequence: missense variant.
Genome position (GRCh38, 1-based): chr18:62,082,682, G>A on the plus strand (C>T on the coding strand, the complement: PIGN is on the minus strand). VCF-style: chr18-62082682-G-A. GRCh37 (hg19) VCF-style: chr18-59749915-G-A.
Other names: c.2567C>T, p.Ser856Leu (NM_012327.6); short protein forms S856L.
Identifiers: ClinVar variation 451887 (VCV000451887.14), dbSNP rs780781469, ClinGen allele CA8981956.

ClinVar aggregate classification (germline): Uncertain significance. Review status: criteria provided, multiple submitters, no conflicts (2 of 4 stars). 3 submissions from 3 submitters: Uncertain significance (3). Last evaluated 2025-06-10.

Conditions:
Inborn genetic diseases. Identifiers: MedGen C0950123, MeSH D030342.
Multiple congenital anomalies-hypotonia-seizures syndrome 1 (MCAHS1). Also called: PIGN-CDG; Congenital disorder of glycosylation due to PIGN deficiency; GLYCOSYLPHOSPHATIDYLINOSITOL BIOSYNTHESIS DEFECT 3. Identifiers: Orphanet 280633, MedGen C3279775, MONDO:0013563, OMIM 614080.

Allele frequency attached by ClinVar (database versions not stated): TOPMed 0.00003; ExAC below 0.00001; gnomAD 0.00001.
gnomAD v4.1: 29 of 1,528,862 alleles (0.0019%); highest among the groups gnomAD compares: Middle Eastern, 0.017%; no homozygotes.

Submissions (3):

GeneDx
Classification: Uncertain significance. Last evaluated: 2025-06-10. Review status: criteria provided, single submitter. Criteria: GeneDx Variant Classification Process June 2021. Collection method: clinical testing. Allele origin: germline. Affected: yes.
Comment: Not observed at significant frequency in large population cohorts (gnomAD); In silico analysis supports that this missense variant has a deleterious effect on protein structure/function; Has not been previously published as pathogenic or benign to our knowledge

Labcorp Genetics (formerly Invitae), Labcorp
Classification: Uncertain significance for Multiple congenital anomalies-hypotonia-seizures syndrome 1. Last evaluated: 2024-07-29. Review status: criteria provided, single submitter. Criteria: Invitae Variant Classification Sherloc (09022015). Collection method: clinical testing. Allele origin: germline.
Comment: This sequence change replaces serine, which is neutral and polar, with leucine, which is neutral and non-polar, at codon 856 of the PIGN protein (p.Ser856Leu). The frequency data for this variant in the population databases is considered unreliable, as metrics indicate poor data quality at this position in the gnomAD database. This variant has not been reported in the literature in individuals affected with PIGN-related conditions. ClinVar contains an entry for this variant (Variation ID: 451887). Advanced modeling of protein sequence and biophysical properties (such as structural, functional, and spatial information, amino acid conservation, physicochemical variation, residue mobility, and thermodynamic stability) performed at Invitae indicates that this missense variant is expected to disrupt PIGN protein function with a positive predictive value of 80%. In summary, the available evidence is currently insufficient to determine the role of this variant in disease. Therefore, it has been classified as a Variant of Uncertain Significance.

Ambry Genetics
Classification: Uncertain significance for Inborn genetic diseases. Last evaluated: 2023-11-06. Review status: criteria provided, single submitter. Criteria: Ambry Variant Classification Scheme 2023. Collection method: clinical testing. Allele origin: germline.